The following is an entry in ClinVar:

ClinVar aggregate classification (germline): Uncertain significance. Review status: criteria provided, multiple submitters, no conflicts (2 of 4 stars). 2 submissions from 2 submitters: Uncertain significance (2). Last evaluated 2025-02-18.

Allele frequency attached by ClinVar (database versions not stated): gnomAD exomes below 0.00001; ExAC 0.00001; TOPMed 0.00002.
gnomAD v4.1: 14 of 1,612,388 alleles (0.00087%); highest among the groups gnomAD compares: Non-Finnish European, 0.001%; no homozygotes.

Submissions (2):

Women's Health and Genetics/Laboratory Corporation of America, LabCorp
Classification: Uncertain significance. Last evaluated: 2025-02-18. Review status: criteria provided, single submitter. Criteria: LabCorp Variant Classification Summary - May 2015. Collection method: clinical testing. Allele origin: germline.
Comment: Variant summary: ADGRV1 c.17881G>A (p.Ala5961Thr) results in a non-conservative amino acid change located in the transmembrane domain (IPR017981) of the encoded protein sequence. Four of five in-silico tools predict a benign effect of the variant on protein function. The variant allele was found at a frequency of 8.7e-06 in 1605420 control chromosomes, predominantly at a frequency of 1e-05 within the Non-Finnish European subpopulation in the gnomAD database (v4.1 dataset). This frequency is not higher than the maximum estimated for a pathogenic variant in ADGRV1 causing ADGRV1-Related Disorders, allowing no conclusion about variant significance. To our knowledge, no occurrence of c.17881G>A in individuals affected with ADGRV1-Related Disorders and no experimental evidence demonstrating its impact on protein function have been reported. ClinVar contains an entry for this variant (Variation ID: 1025871). Based on the evidence outlined above, the variant was classified as uncertain significance.

Labcorp Genetics (formerly Invitae), Labcorp
Classification: Uncertain significance. Last evaluated: 2024-11-05. Review status: criteria provided, single submitter. Criteria: Invitae Variant Classification Sherloc (09022015). Collection method: clinical testing. Allele origin: germline.
Comment: This sequence change replaces alanine, which is neutral and non-polar, with threonine, which is neutral and polar, at codon 5961 of the ADGRV1 protein (p.Ala5961Thr). This variant is not present in population databases (gnomAD no frequency). This variant has not been reported in the literature in individuals affected with ADGRV1-related conditions. ClinVar contains an entry for this variant (Variation ID: 1025871). Invitae Evidence Modeling of protein sequence and biophysical properties (such as structural, functional, and spatial information, amino acid conservation, physicochemical variation, residue mobility, and thermodynamic stability) indicates that this missense variant is not expected to disrupt ADGRV1 protein function with a negative predictive value of 95%. In summary, the available evidence is currently insufficient to determine the role of this variant in disease. Therefore, it has been classified as a Variant of Uncertain Significance.

NM_032119.4(ADGRV1):c.17881G>A (p.Ala5961Thr)

Gene: ADGRV1 (adhesion G protein-coupled receptor V1; plus strand). Cytogenetic location: 5q14.3.
Variant type: single nucleotide variant.
Coding change: c.17881G>A on transcript NM_032119.4 (MANE Select); coding-DNA position 17881, G replaced by A.
Protein change: p.Ala5961Thr; replaces alanine 5961 with threonine.
Molecular consequence: missense variant. On other transcripts: non-coding transcript variant (1).
Genome position (GRCh38, 1-based): chr5:90,965,439, G>A. VCF-style: chr5-90965439-G-A. GRCh37 (hg19) VCF-style: chr5-90261256-G-A.
Other names: short protein forms A5961T.
Identifiers: ClinVar variation 1025871 (VCV001025871.9), dbSNP rs751133309, ClinGen allele CA3342496.
Genomic context (GRCh38, chr5:90,965,439, plus strand): 5'-GCATATTTTAAAAATAGAAGTATCTGTTTCTTACAGATTCTGTTTCTGGCGTCTGCATAC[G>A]CAAGTCCCCAACTCGCTGAGGAGAGCTGTTCAGCTATGGCTGCTGTCACACATTACCTGT-3'
Protein context (NP_115495.3, residues 5951-5971): TQILFLASAY[Ala5961Thr]SPQLAEESCS